The following is an entry in ClinVar:

ClinVar aggregate classification (germline): Uncertain significance (1 of 4 stars; one submission).

Conditions:
Familial renal glucosuria (GLYS). Also called: RENAL GLUCOSURIA, AUTOSOMAL DOMINANT; Familial renal glycosuria. Identifiers: Orphanet 69076, MedGen C3245525, MONDO:0009297, OMIM 233100.

gnomAD v4.1: 6 of 1,613,760 alleles (0.00037%); highest among the groups gnomAD compares: East Asian, 0.0022%; no homozygotes.

Submission:

MVZ Medizinische Genetik Mainz
Classification: Uncertain significance for Familial renal glucosuria. Last evaluated: 2025-02-21. Review status: criteria provided, single submitter. Criteria: UK Practice Guidelines For Variant Classification V4 01 2020. Collection method: clinical testing. Allele origin: germline. Inheritance: Autosomal dominant inheritance. Affected: yes. Observed: 1 variant allele.
Comment: ACMG Criteria: PM2_SUP,PP4

NM_003041.4(SLC5A2):c.666G>T (p.Glu222Asp)

Gene: SLC5A2 (solute carrier family 5 member 2; plus strand). Cytogenetic location: 16p11.2.
Variant type: single nucleotide variant.
Coding change: c.666G>T on transcript NM_003041.4 (MANE Select); coding-DNA position 666, G replaced by T.
Protein change: p.Glu222Asp; replaces glutamic acid 222 with aspartic acid.
Molecular consequence: missense variant. On other transcripts: non-coding transcript variant (1).
Genome position (GRCh38, 1-based): chr16:31,487,540, G>T. VCF-style: chr16-31487540-G-T. GRCh37 (hg19) VCF-style: chr16-31498861-G-T.
Other names: short protein forms E222D.
Identifiers: ClinVar variation 3774567 (VCV003774567.1).